The following is an entry in ClinVar:

ClinVar aggregate classification (germline): Conflicting classifications of pathogenicity. Review status: criteria provided, conflicting classifications (1 of 4 stars). 6 submissions from 6 submitters: Uncertain significance (3); Likely benign (3). Last evaluated 2026-07-13.

Conditions:
Hypertrophic cardiomyopathy. Also called: HYPERTROPHIC MYOCARDIOPATHY. Identifiers: Orphanet 217569, MedGen C0007194, MeSH D002312, MONDO:0005045, HP:0001639.
MYOZ2-related disorder. Also called: MYOZ2-related condition.
Cardiovascular phenotype. Identifiers: MedGen CN230736.
Cardiomyopathy (CMYO). Also called: Cardiomyopathies. Identifiers: Orphanet 167848, MedGen C0878544, MONDO:0004994, HP:0001638. Inheritance: Various modes of inheritance.

Allele frequency attached by ClinVar (database versions not stated): gnomAD exomes 0.00001 and 0.00004; ExAC 0.00004; gnomAD 0.00022 and 0.00024; ESP Exome Variant Server 0.00023; TOPMed 0.00025.
gnomAD v4.1: 56 of 1,613,858 alleles (0.0035%); highest among the groups gnomAD compares: African/African-American, 0.057%; no homozygotes.

Submissions (6):

PreventionGenetics, part of Exact Sciences
Classification: Likely benign for MYOZ2-related condition. Last evaluated: 2026-07-13. Review status: criteria provided, single submitter. Criteria: ACMG Guidelines, 2015. Collection method: clinical testing. Allele origin: germline.
Comment: This variant is classified as likely benign based on ACMG/AMP sequence variant interpretation guidelines (Richards et al. 2015 PMID: 25741868, with internal and published modifications).

CeGaT Center for Human Genetics Tuebingen
Classification: Likely benign. Last evaluated: 2026-07-01. Review status: criteria provided, single submitter. Criteria: CeGaT Center For Human Genetics Tuebingen Variant Classification Criteria Version 2. Collection method: clinical testing. Allele origin: germline. Affected: yes. Observed: 1 variant allele.
Comment: MYOZ2: BP4

GeneDx
Classification: Uncertain significance. Last evaluated: 2026-01-26. Review status: criteria provided, single submitter. Criteria: GeneDx Variant Classification Process June 2021. Collection method: clinical testing. Allele origin: germline. Affected: yes.
Comment: Has not been previously published as pathogenic or benign to our knowledge; In silico analysis suggests that this missense variant does not alter protein structure/function; Variants in candidate genes are classified as variants of uncertain significance in accordance with ACMG guidelines (PMID: 25741868); This variant is associated with the following publications: (PMID: 30681346)

Ambry Genetics
Classification: Uncertain significance for Cardiovascular phenotype. Last evaluated: 2025-12-07. Review status: criteria provided, single submitter. Criteria: Ambry Variant Classification Scheme 2023. Collection method: clinical testing. Allele origin: germline.
Comment: The p.H49R variant (also known as c.146A>G), located in coding exon 2 of the MYOZ2 gene, results from an A to G substitution at nucleotide position 146. The histidine at codon 49 is replaced by arginine, an amino acid with highly similar properties. This amino acid position is not well conserved in available vertebrate species. In addition, this alteration is predicted to be tolerated by in silico analysis. Since supporting evidence is limited at this time, the clinical significance of this alteration remains unclear.

Labcorp Genetics (formerly Invitae), Labcorp
Classification: Uncertain significance for Hypertrophic cardiomyopathy. Last evaluated: 2025-06-06. Review status: criteria provided, single submitter. Criteria: Invitae Variant Classification Sherloc (09022015). Collection method: clinical testing. Allele origin: germline.
Comment: This sequence change replaces histidine, which is basic and polar, with arginine, which is basic and polar, at codon 49 of the MYOZ2 protein (p.His49Arg). This variant is present in population databases (rs148908208, gnomAD 0.06%), and has an allele count higher than expected for a pathogenic variant. This variant has not been reported in the literature in individuals affected with MYOZ2-related conditions. ClinVar contains an entry for this variant (Variation ID: 426256). Invitae Evidence Modeling of protein sequence and biophysical properties (such as structural, functional, and spatial information, amino acid conservation, physicochemical variation, residue mobility, and thermodynamic stability) indicates that this missense variant is not expected to disrupt MYOZ2 protein function with a negative predictive value of 80%. In summary, the available evidence is currently insufficient to determine the role of this variant in disease. Therefore, it has been classified as a Variant of Uncertain Significance.

CHEO Genetics Diagnostic Laboratory, Children's Hospital of Eastern Ontario
Classification: Likely benign for Cardiomyopathy. Last evaluated: 2018-12-20. Review status: criteria provided, single submitter. Criteria: ACMG Guidelines, 2015. Collection method: clinical testing. Allele origin: germline.

NM_016599.5(MYOZ2):c.146A>G (p.His49Arg)

Gene: MYOZ2 (myozenin 2; plus strand). Cytogenetic location: 4q26.
Variant type: single nucleotide variant.
Coding change: c.146A>G on transcript NM_016599.5 (MANE Select); coding-DNA position 146, A replaced by G.
Protein change: p.His49Arg; replaces histidine 49 with arginine.
Molecular consequence: missense variant.
Genome position (GRCh38, 1-based): chr4:119,150,941, A>G. VCF-style: chr4-119150941-A-G. GRCh37 (hg19) VCF-style: chr4-120072096-A-G.
Other names: short protein forms H49R.
Identifiers: ClinVar variation 426256 (VCV000426256.22), dbSNP rs148908208, ClinGen allele CA3058550.